The following is an entry in ClinVar:

ClinVar aggregate classification (germline): Uncertain significance (1 of 4 stars; one submission).

Allele frequency attached by ClinVar (database versions not stated): gnomAD exomes below 0.00001.
gnomAD v4.1: 1 of 1,607,548 alleles (0.000062%); highest among the groups gnomAD compares: Middle Eastern, 0.017%; no homozygotes.

Submission:

CeGaT Center for Human Genetics Tuebingen
Classification: Uncertain significance. Last evaluated: 2023-08-01. Review status: criteria provided, single submitter. Criteria: CeGaT Center For Human Genetics Tuebingen Variant Classification Criteria Version 2. Collection method: clinical testing. Allele origin: germline. Affected: yes. Observed: 1 variant allele.
Comment: SLC26A1: PM2

NM_022042.4(SLC26A1):c.179T>C (p.Leu60Pro)

Genes: IDUA (alpha-L-iduronidase; plus strand), SLC26A1 (solute carrier family 26 member 1; minus strand). Cytogenetic location: 4p16.3.
Variant type: single nucleotide variant.
Coding change: c.179T>C on transcript NM_022042.4 (MANE Select); coding-DNA position 179, T replaced by C.
Protein change: p.Leu60Pro; replaces leucine 60 with proline.
Molecular consequence: missense variant. On other transcripts: intron variant (1).
Genome position (GRCh38, 1-based): chr4:991,525, A>G on the plus strand (T>C on the coding strand, the complement: SLC26A1 is on the minus strand). VCF-style: chr4-991525-A-G. GRCh37 (hg19) VCF-style: chr4-985313-A-G.
Other names: c.179T>C, p.Leu60Pro (NM_134425.4, NM_213613.4); c.299+3576A>G (NM_000203.5); short protein forms L60P.
Identifiers: ClinVar variation 2654538 (VCV002654538.24), dbSNP rs2534036220, ClinGen allele CA355958401.